The following is an entry in ClinVar:

NC_000002.11:g.(230683229_230693908)_(230725248_230744697)del

Gene: TRIP12 (thyroid hormone receptor interactor 12; minus strand). Cytogenetic location: 2q36.3.
Variant type: Deletion.
Identifiers: ClinVar variation 4887198 (VCV004887198.1).

ClinVar aggregate classification (germline): Pathogenic (1 of 4 stars; one submission).

Conditions:
Clark-Baraitser syndrome. Also called: MENTAL RETARDATION, AUTOSOMAL DOMINANT 49; BARAITSER SYNDROME; Mental retardation, tall stature, obesity, macrocephaly and typical facial features; Intellectual disability, autosomal dominant 49. Identifiers: Orphanet 600731, MedGen C2931130, MONDO:0030914, OMIM 617752.

Submission:

Women's Health and Genetics/Laboratory Corporation of America, LabCorp
Classification: Pathogenic for Clark-Baraitser syndrome. Last evaluated: 2026-06-30. Review status: criteria provided, single submitter. Criteria: LabCorp Variant Classification Summary - May 2015. Collection method: clinical testing. Allele origin: germline.
Comment: Variant summary: The variant involves the deletion of exons 3-8 in the TRIP12 gene. A presumed nomenclature of c.(98+1_99-1)_(1450+1_1451-1)del has been designated for the purposes of this classification. This Copy Number Variant (CNV) is expected to alter the reading frame and predicted to result in a truncation or absence of the encoded protein due to nonsense mediated decay (NMD). Loss-of-function variants in this gene are known to be pathogenic. The variant was absent in 21592 control chromosomes. c.(98+1_99-1)_(1450+1_1451-1)del has been observed in one family affected with variable intellectual disability (Lyu_2024). These data indicate that the variant is likely to be associated with disease. To our knowledge, no experimental evidence demonstrating an impact on protein function has been reported. The following publication has been ascertained in the context of this evaluation (PMID: 39528278). ClinVar contains an entry for this variant (Variation ID: 4075970). Based on the evidence outlined above, the variant was classified as pathogenic.

Literature cited by the submitters: PubMed 39528278.